The following is an entry in ClinVar:

ClinVar aggregate classification (germline): Pathogenic/Likely pathogenic. Review status: criteria provided, multiple submitters, no conflicts (2 of 4 stars). 3 submissions from 3 submitters: Pathogenic (1); Likely pathogenic (1). 1 of the submissions does not count toward it. Last evaluated 2025-11-28.

Conditions:
GPI-related disorders.
Hemolytic anemia due to glucophosphate isomerase deficiency (CNSHA4). Also called: ANEMIA, CONGENITAL, NONSPHEROCYTIC HEMOLYTIC, 4. Identifiers: Orphanet 712, MedGen C0272064, MONDO:0013275, OMIM 613470.

Allele frequency attached by ClinVar (database versions not stated): gnomAD exomes 0.00001 and 0.00002; ExAC 0.00002.
gnomAD v4.1: 15 of 1,613,148 alleles (0.00093%); highest among the groups gnomAD compares: Non-Finnish European, 0.0013%; no homozygotes.

Submissions (4):

Labcorp Genetics (formerly Invitae), Labcorp
Classification: Pathogenic. Last evaluated: 2025-11-28. Review status: criteria provided, single submitter. Criteria: Invitae Variant Classification Sherloc (09022015). Collection method: clinical testing. Allele origin: germline.
Comment: This sequence change replaces glutamine, which is neutral and polar, with arginine, which is basic and polar, at codon 343 of the GPI protein (p.Gln343Arg). This variant is present in population databases (rs267606851, gnomAD 0.003%). This missense change has been observed in individual(s) with glucose-6-phosphate isomerase deficiency (PMID: 8822952, 8822954, 9266190, 10916680). ClinVar contains an entry for this variant (Variation ID: 13646). Invitae Evidence Modeling of protein sequence and biophysical properties (such as structural, functional, and spatial information, amino acid conservation, physicochemical variation, residue mobility, and thermodynamic stability) has been performed for this missense variant. However, the output from this modeling did not meet the statistical confidence thresholds required to predict the impact of this variant on GPI protein function. Experimental studies have shown that this missense change affects GPI function (PMID: 9616041). For these reasons, this variant has been classified as Pathogenic.

Blueprint Genetics
Classification: Likely pathogenic for GPI-related disorders. Last evaluated: 2020-12-21. Review status: criteria provided, single submitter. Criteria: ACMG Guidelines, 2015. Collection method: clinical testing. Allele origin: germline. Affected: yes. Observed: 2 variant alleles.

OMIM
Classification: Pathogenic for ANEMIA, CONGENITAL NONSPHEROCYTIC HEMOLYTIC, 4. Last evaluated: 1996-09-15. Review status: no assertion criteria provided. Collection method: literature only. Allele origin: germline. Not counted in ClinVar's aggregate classification.

Dr. Peter K. Rogan Lab, Western University
No classification provided (evidence only). Condition: Thyroid cancer, nonmedullary, 1. Review status: no classification provided. Collection method: in vitro. Allele origin: not applicable. Functional consequence: retained intron. Not counted in ClinVar's aggregate classification.

Literature cited by the submitters: PubMed 8822952 (cited by Labcorp Genetics (formerly Invitae), Labcorp); PubMed 8822954 (cited by Labcorp Genetics (formerly Invitae), Labcorp and OMIM); PubMed 9266190 (cited by Labcorp Genetics (formerly Invitae), Labcorp); PubMed 10916680 (cited by Labcorp Genetics (formerly Invitae), Labcorp); PubMed 9616041 (cited by Labcorp Genetics (formerly Invitae), Labcorp).

NM_000175.5(GPI):c.1028A>G (p.Gln343Arg)

Gene: GPI (glucose-6-phosphate isomerase; plus strand). Cytogenetic location: 19q13.11.
Variant type: single nucleotide variant.
Coding change: c.1028A>G on transcript NM_000175.5 (MANE Select); coding-DNA position 1028, A replaced by G.
Protein change: p.Gln343Arg; replaces glutamine 343 with arginine.
Molecular consequence: missense variant.
Genome position (GRCh38, 1-based): chr19:34,394,032, A>G. VCF-style: chr19-34394032-A-G. GRCh37 (hg19) VCF-style: chr19-34884937-A-G.
Other names: NC_000019.9:g.34884937A>G; c.1061A>G, p.Gln354Arg (NM_001184722.1); c.1145A>G, p.Gln382Arg (NM_001289789.1); c.944A>G, p.Gln315Arg (NM_001289790.3); c.1028A>G, p.Gln343Arg (NM_001329909.1, NM_001329910.1, NM_001329911.2 and 1 more transcripts); short protein forms Q343R, Q354R, Q315R, Q382R.
Identifiers: ClinVar variation 13646 (VCV000013646.5), dbSNP rs267606851, ClinGen allele CA123321.
Genomic context (GRCh38, chr19:34,394,032, plus strand): 5'-TGGGTATCTGGTACATCAACTGCTTTGGGTGTGAGACACACGCCATGCTGCCCTATGACC[A>G]GTACCTGCACCGCTTTGCTGCGTACTTCCAGCAGGTACCAGCTGCCAAGCCAGGCCTTGG-3'
Protein context (NP_000166.2, residues 333-353): CETHAMLPYD[Gln343Arg]YLHRFAAYFQ